The following is an entry in ClinVar:

NM_000875.5(IGF1R):c.3064G>A (p.Val1022Met)

Gene: IGF1R (insulin like growth factor 1 receptor; plus strand). Cytogenetic location: 15q26.3.
Variant type: single nucleotide variant.
Coding change: c.3064G>A on transcript NM_000875.5 (MANE Select); coding-DNA position 3064, G replaced by A.
Protein change: p.Val1022Met; replaces valine 1022 with methionine.
Molecular consequence: missense variant.
Genome position (GRCh38, 1-based): chr15:98,934,931, G>A. VCF-style: chr15-98934931-G-A. GRCh37 (hg19) VCF-style: chr15-99478160-G-A.
Other names: c.3061G>A, p.Val1021Met (NM_001291858.2); short protein forms V1021M, V1022M.
Identifiers: ClinVar variation 2000499 (VCV002000499.4), dbSNP rs749722429, ClinGen allele CA393657950.

ClinVar aggregate classification (germline): Uncertain significance (1 of 4 stars; one submission).

Submission:

Labcorp Genetics (formerly Invitae), Labcorp
Classification: Uncertain significance. Last evaluated: 2023-07-07. Review status: criteria provided, single submitter. Criteria: Invitae Variant Classification Sherloc (09022015). Collection method: clinical testing. Allele origin: germline.
Comment: In summary, the available evidence is currently insufficient to determine the role of this variant in disease. Therefore, it has been classified as a Variant of Uncertain Significance. Advanced modeling of protein sequence and biophysical properties (such as structural, functional, and spatial information, amino acid conservation, physicochemical variation, residue mobility, and thermodynamic stability) performed at Invitae indicates that this missense variant is not expected to disrupt IGF1R protein function. ClinVar contains an entry for this variant (Variation ID: 2000499). This variant has not been reported in the literature in individuals affected with IGF1R-related conditions. This variant is not present in population databases (gnomAD no frequency). This sequence change replaces valine, which is neutral and non-polar, with methionine, which is neutral and non-polar, at codon 1022 of the IGF1R protein (p.Val1022Met).